The following is an entry in ClinVar:

ClinVar aggregate classification (germline): Uncertain significance. Review status: criteria provided, multiple submitters, no conflicts (2 of 4 stars). 2 submissions from 2 submitters: Uncertain significance (2). Last evaluated 2023-12-15.

Conditions:
Inborn genetic diseases. Identifiers: MedGen C0950123, MeSH D030342.

Allele frequency attached by ClinVar (database versions not stated): gnomAD exomes 0.00001; ExAC 0.00002; 1000 Genomes Project 30x 0.00016; gnomAD 0.00018; 1000 Genomes Project 0.00020; TOPMed 0.00041.

Submissions (2):

GeneDx
Classification: Uncertain significance. Last evaluated: 2023-12-15. Review status: criteria provided, single submitter. Criteria: GeneDx Variant Classification Process June 2021. Collection method: clinical testing. Allele origin: germline. Affected: yes.
Comment: In silico analysis supports that this missense variant has a deleterious effect on protein structure/function; Has not been previously published as pathogenic or benign to our knowledge

Ambry Genetics
Classification: Uncertain significance for Inborn genetic diseases. Last evaluated: 2023-11-22. Review status: criteria provided, single submitter. Criteria: Ambry Variant Classification Scheme 2023. Collection method: clinical testing. Allele origin: germline.

NM_001206744.2(TPO):c.411G>A (p.Met137Ile)

Gene: TPO (thyroid peroxidase; plus strand). Cytogenetic location: 2p25.3.
Variant type: single nucleotide variant.
Coding change: c.411G>A on transcript NM_001206744.2 (MANE Select); coding-DNA position 411, G replaced by A.
Protein change: p.Met137Ile; replaces methionine 137 with isoleucine.
Molecular consequence: missense variant.
Genome position (GRCh38, 1-based): chr2:1,436,313, G>A. VCF-style: chr2-1436313-G-A. GRCh37 (hg19) VCF-style: chr2-1440085-G-A.
Other names: c.411G>A, p.Met137Ile (NM_000547.6, NM_001206745.2, NM_175719.4 and 2 more transcripts); short protein forms M137I.
Identifiers: ClinVar variation 3181559 (VCV003181559.2), dbSNP rs533324839, ClinGen allele CA1511417.
Genomic context (GRCh38, chr2:1,436,313, plus strand): 5'-TGCTTTATCAGAAGATCTGCTGAGCATCATTGCAAACATGTCTGGATGTCTCCCTTACAT[G>A]CTGCCCCCAAAATGCCCAAACACTTGCCTGGCGAACAAATACAGGCCCATCACAGGAGCT-3'
Protein context (NP_001193673.1, residues 127-147): IANMSGCLPY[Met137Ile]LPPKCPNTCL